The following is an entry in ClinVar:

NM_030762.3(BHLHE41):c.100A>C (p.Arg34=)

Genes: BHLHE41 (basic helix-loop-helix family member e41; minus strand), SSPN (sarcospan; plus strand). Cytogenetic location: 12p12.1.
Variant type: single nucleotide variant.
Coding change: c.100A>C on transcript NM_030762.3 (MANE Select); coding-DNA position 100, A replaced by C.
Protein change: p.Arg34=; no amino-acid change (arginine 34 retained).
Molecular consequence: synonymous variant.
Genome position (GRCh38, 1-based): chr12:26,124,545, T>G on the plus strand (A>C on the coding strand, the complement: BHLHE41 is on the minus strand). VCF-style: chr12-26124545-T-G. GRCh37 (hg19) VCF-style: chr12-26277478-T-G.
Identifiers: ClinVar variation 2642801 (VCV002642801.25), dbSNP rs137958863, ClinGen allele CA6487806.
Genomic context (GRCh38, chr12:26,124,545, plus strand): 5'-CAGGTTATGAGGAATATCGGGAACTTACACTTACCTTGGTGTCGTCTCGTTTCATGCTCC[T>G]TTTGGGTTTACACATATACAAAGAGGAATAGTCCAGTCTGCAAAACAGAAATCAGCATCA-3'
Protein context (NP_110389.1, residues 24-44): YSSLYMCKPK[Arg34=]SMKRDDTKDT

ClinVar aggregate classification (germline): Likely benign. Review status: criteria provided, multiple submitters, no conflicts (2 of 4 stars). 2 submissions from 2 submitters: Likely benign (2). Last evaluated 2024-11-25.

Allele frequency attached by ClinVar (database versions not stated): ESP Exome Variant Server 0.00008; TOPMed 0.00013; 1000 Genomes Project 30x 0.00016; gnomAD 0.00018; gnomAD exomes 0.00019; 1000 Genomes Project 0.00020; ExAC 0.00029.
gnomAD v4.1: 344 of 1,614,124 alleles (0.021%); highest among the groups gnomAD compares: South Asian, 0.12%; 12 homozygotes.

Submissions (2):

Blueprint Genetics
Classification: Likely benign. Last evaluated: 2024-11-25. Review status: criteria provided, single submitter. Criteria: ACMG Guidelines, 2015. Collection method: clinical testing. Allele origin: germline.

CeGaT Center for Human Genetics Tuebingen
Classification: Likely benign. Last evaluated: 2023-02-01. Review status: criteria provided, single submitter. Criteria: CeGaT Center For Human Genetics Tuebingen Variant Classification Criteria Version 2. Collection method: clinical testing. Allele origin: germline. Affected: yes. Observed: 1 variant allele.
Comment: BHLHE41: BP4, BP7